The following is an entry in ClinVar:

ClinVar aggregate classification (germline): Uncertain significance (1 of 4 stars; one submission).

Allele frequency attached by ClinVar (database versions not stated): gnomAD exomes below 0.00001.
gnomAD v4.1: 1 of 1,592,374 alleles (0.000063%); highest among the groups gnomAD compares: Non-Finnish European, 0.000085%; no homozygotes.

Submission:

CeGaT Center for Human Genetics Tuebingen
Classification: Uncertain significance. Last evaluated: 2023-09-01. Review status: criteria provided, single submitter. Criteria: CeGaT Center For Human Genetics Tuebingen Variant Classification Criteria Version 2. Collection method: clinical testing. Allele origin: germline. Affected: yes. Observed: 1 variant allele.
Comment: TNFRSF1A: PM2

NM_001065.4(TNFRSF1A):c.1103C>A (p.Pro368Gln)

Gene: TNFRSF1A (TNF receptor superfamily member 1A; minus strand). Cytogenetic location: 12p13.31.
Variant type: single nucleotide variant.
Coding change: c.1103C>A on transcript NM_001065.4 (MANE Select); coding-DNA position 1103, C replaced by A.
Protein change: p.Pro368Gln; replaces proline 368 with glutamine.
Molecular consequence: missense variant. On other transcripts: non-coding transcript variant (1).
Genome position (GRCh38, 1-based): chr12:6,329,577, G>T on the plus strand (C>A on the coding strand, the complement: TNFRSF1A is on the minus strand). VCF-style: chr12-6329577-G-T. GRCh37 (hg19) VCF-style: chr12-6438743-G-T.
Other names: c.779C>A, p.Pro260Gln (NM_001346091.2); c.644C>A, p.Pro215Gln (NM_001346092.2); short protein forms P215Q, P260Q, P368Q.
Identifiers: ClinVar variation 2582901 (VCV002582901.25), dbSNP rs1490064601, ClinGen allele CA383545451.